The following is an entry in ClinVar:

NM_000059.4(BRCA2):c.6938-2A>G

Gene: BRCA2 (BRCA2 DNA repair associated; plus strand). Cytogenetic location: 13q13.1.
Variant type: single nucleotide variant.
Coding change: c.6938-2A>G on transcript NM_000059.4 (MANE Select); the canonical splice acceptor site of the intron before coding-DNA position 6938, A replaced by G.
Molecular consequence: splice acceptor variant.
Genome position (GRCh38, 1-based): chr13:32,346,825, A>G. VCF-style: chr13-32346825-A-G. GRCh37 (hg19) VCF-style: chr13-32920962-A-G.
Other names: IVS12-2A>G; c.6938-2A>G (NM_001406720.1); c.6842-2A>G (NM_001406719.1); c.2006-2A>G (NM_001406721.1); c.521-2A>G (NM_001406722.1).
Identifiers: ClinVar variation 52222 (VCV000052222.28), dbSNP rs81002863, ClinGen allele CA024592.

ClinVar aggregate classification (germline): Pathogenic. Review status: reviewed by expert panel (3 of 4 stars). 11 submissions from 11 submitters: Pathogenic (1). 10 of the submissions do not count toward it. Last evaluated 2019-06-18.

Conditions:
Breast and/or ovarian cancer. Identifiers: MedGen CN221562.
Hereditary breast ovarian cancer syndrome. Also called: Hereditary breast and ovarian cancer syndrome; Hereditary breast and ovarian cancer; Hereditary breast and ovarian cancer syndrome (HBOC); Breast and ovarian cancer; Hereditary breast and/or ovarian cancer syndrome; BRCA1- and BRCA2-Associated Hereditary Breast and Ovarian Cancer. Identifiers: Orphanet 145, MedGen C0677776, MeSH D061325, MONDO:0003582. Disease mechanism: loss of function.
Hereditary cancer-predisposing syndrome. Also called: Neoplastic Syndromes, Hereditary; Tumor predisposition; Hereditary neoplastic syndrome; Hereditary Cancer Syndrome. Identifiers: Orphanet 140162, MedGen C0027672, MeSH D009386, MONDO:0015356.
BRCA2-related cancer predisposition. Identifiers: MedGen CN377758, MONDO:0700269.
Breast-ovarian cancer, familial, susceptibility to, 2 (BROVCA2). Also called: BRCA2 Hereditary Breast and Ovarian Cancer. Identifiers: Orphanet 145, MedGen C2675520, MONDO:0012933, OMIM 612555. Disease mechanism: loss of function.

Submissions (11):

Evidence-based Network for the Interpretation of Germline Mutant Alleles (ENIGMA)
Classification: Pathogenic for Breast-ovarian cancer, familial, susceptibility to, 2. Last evaluated: 2019-06-18. Review status: reviewed by expert panel. Criteria: ENIGMA BRCA1/2 Classification Criteria (2017-06-29). Collection method: curation. Allele origin: germline.
Comment: IARC class based on posterior probability from multifactorial likelihood analysis, thresholds for class as per Plon et al. 2008 (PMID: 18951446). Class 5 based on posterior probability = 0.994607

Labcorp Genetics (formerly Invitae), Labcorp
Classification: Pathogenic for Hereditary breast ovarian cancer syndrome. Last evaluated: 2026-01-04. Review status: criteria provided, single submitter. Criteria: Invitae Variant Classification Sherloc (09022015). Collection method: clinical testing. Allele origin: germline. Not counted in ClinVar's aggregate classification.
Comment: This sequence change affects an acceptor splice site in intron 12 of the BRCA2 gene. RNA analysis indicates that disruption of this splice site induces altered splicing and may result in an absent or altered protein product. This variant is not present in population databases (gnomAD no frequency). Disruption of this splice site has been observed in individual(s) with clinical features of BRCA2-related conditions (PMID: 10923033, 21520333, 31214711). ClinVar contains an entry for this variant (Variation ID: 52222). Based on a multifactorial likelihood algorithm using genetic, in silico, and/or statistical data, this variant has been determined to have a high probability of being pathogenic (PMID: 31131967). Studies have shown that disruption of this splice site results in activation of a cryptic splice site, and produces a non-functional protein and/or introduces a premature termination codon (internal data). For these reasons, this variant has been classified as Pathogenic.

Ambry Genetics
Classification: Likely pathogenic for Hereditary cancer-predisposing syndrome. Last evaluated: 2025-11-24. Review status: criteria provided, single submitter. Criteria: Ambry Variant Classification Scheme 2023. Collection method: clinical testing. Allele origin: germline. Not counted in ClinVar's aggregate classification.
Comment: The c.6938-2A>G intronic variant results from an A to G substitution two nucleotides upstream from coding exon 12 in the BRCA2 gene. This nucleotide position is highly conserved in available vertebrate species. In silico splice site analysis predicts that this alteration will weaken the native splice acceptor site. RNA studies have demonstrated that this alteration results in abnormal splicing in the set of samples tested (Ambry internal data). This variant is considered to be rare based on population cohorts in the Genome Aggregation Database (gnomAD). Alterations that disrupt the canonical splice site are expected to cause aberrant splicing, resulting in an abnormal protein or a transcript that is subject to nonsense-mediated mRNA decay. As such, this alteration is classified as likely pathogenic.

Color Diagnostics, LLC DBA Color Health
Classification: Likely pathogenic for Hereditary cancer-predisposing syndrome. Last evaluated: 2024-05-31. Review status: criteria provided, single submitter. Criteria: ACMG Guidelines, 2015. Collection method: clinical testing. Allele origin: germline. Not counted in ClinVar's aggregate classification.
Comment: This variant causes an A to G nucleotide substitution at the -2 position of intron 12 of the BRCA2 gene. Splice site prediction tools predict that this variant may have a significant impact on RNA splicing. Although this prediction has not been confirmed in published RNA studies, this variant is expected to result in an absent or disrupted protein product. This variant demonstrated loss-of-function in response to cisplatin and olaparib in a mouse embryonic stem cell saturation genome editing assay (PMID: 37713444). This variant has been reported in an individual affected with breast cancer (PMID: 33471991; Leiden Open Variation Database DB-ID BRCA2_006186) and an individual affected with prostate cancer (PMID: 31214711). This variant has been reported in multifactorial analyses with co-occurrence, family history, and personal and family history of cancer likelihood ratios for pathogenicity of 1.076 and 5.302, giving a posterior probability of 0.91833 (PMID: 31131967, 31853058). This variant has not been identified in the general population by the Genome Aggregation Database (gnomAD). Loss of BRCA2 function is a known mechanism of disease. Based on the available evidence, this variant is classified as Likely Pathogenic.

All of Us Research Program, National Institutes of Health
Classification: Likely pathogenic for BRCA2-related cancer predisposition. Last evaluated: 2024-02-08. Review status: criteria provided, single submitter. Criteria: ACMG Guidelines, 2015. Collection method: clinical testing. Allele origin: germline. Inheritance: Autosomal dominant inheritance. Observed: 2 variant alleles, 2 heterozygotes. Not counted in ClinVar's aggregate classification.
Comment: This variant causes an A to G nucleotide substitution at the -2 position of intron 12 of the BRCA2 gene. Splice site prediction tools predict that this variant may have a significant impact on RNA splicing. Although this prediction has not been confirmed in published RNA studies, this variant is expected to result in an absent or disrupted protein product. This variant has been reported in an individual affected with breast cancer (PMID: 33471991; Leiden Open Variation Database DB-ID BRCA2_006186) and an individual affected with prostate cancer (PMID: 31214711). This variant has been reported in a multifactorial analysis with co-occurrence and family history likelihood ratios for pathogenicity of 1.076 and 5.302, respectively (PMID: 31131967). This variant has not been identified in the general population by the Genome Aggregation Database (gnomAD). Loss of BRCA2 function is a known mechanism of disease. Based on the available evidence, this variant is classified as Likely Pathogenic.

This study involves interpretation of variants in research participants for the purpose of population health screening. Participant phenotype was not available at the time of variant classification. Additional details can be found in publication PMID: 35346344, PMCID: PMC8962531

GeneDx
Classification: Pathogenic. Last evaluated: 2023-07-18. Review status: criteria provided, single submitter. Criteria: GeneDx Variant Classification Process June 2021. Collection method: clinical testing. Allele origin: germline. Affected: yes. Not counted in ClinVar's aggregate classification.
Comment: Canonical splice site variant predicted to result in a null allele in a gene for which loss of function is a known mechanism of disease; Not observed at significant frequency in large population cohorts (gnomAD); Observed in an individual with prostate cancer (Momozawa et al., 2019); Truncating variants in this gene are considered pathogenic by a well-established clinical consortium and/or database; Also known as 7166-2A>G; This variant is associated with the following publications: (PMID: 21523855, 31131967, 31214711)

Women's Health and Genetics/Laboratory Corporation of America, LabCorp
Classification: Likely pathogenic for Hereditary breast and ovarian cancer syndrome. Last evaluated: 2018-03-20. Review status: criteria provided, single submitter. Criteria: LabCorp Variant Classification Summary - May 2015. Collection method: clinical testing. Allele origin: germline. Not counted in ClinVar's aggregate classification.
Comment: Variant summary: BRCA2 c.6938-2A>G is located in a canonical splice-site and is predicted to affect mRNA splicing, resulting in a significantly altered protein due to either exon skipping, shortening, or inclusion of intronic material. Several computational tools predict a significant impact on normal splicing: Three predict the variant abolishes a 3' acceptor site. However, these predictions have yet to be confirmed by functional studies. The variant was absent in 244092 control chromosomes. The c.6938-2A>G variant has been reported in the literature in one individual affected with Hereditary Breast and Ovarian Cancer. This report does not provide unequivocal conclusions about an association of the variant with Hereditary Breast and Ovarian Cancer. To our knowledge, no experimental evidence demonstrating an impact on protein function has been reported. Three clinical diagnostic laboratories have submitted clinical-significance assessments for this variant to ClinVar after 2014, and all laboratories classified the variant as pathogenic/likely pathogenic. Based on the evidence outlined above, the variant was classified as likely pathogenic.

Consortium of Investigators of Modifiers of BRCA1/2 (CIMBA), c/o University of Cambridge
Classification: Pathogenic for Breast-ovarian cancer, familial, susceptibility to, 2. Last evaluated: 2015-10-02. Review status: criteria provided, single submitter. Criteria: CIMBA Mutation Classification guidelines May 2016. Collection method: clinical testing. Allele origin: germline. Not counted in ClinVar's aggregate classification.

Sharing Clinical Reports Project (SCRP)
Classification: Likely pathogenic for Breast-ovarian cancer, familial 2. Last evaluated: 2011-01-14. Review status: no assertion criteria provided. Collection method: clinical testing. Allele origin: germline. Not counted in ClinVar's aggregate classification.

Breast Cancer Information Core (BIC) (BRCA2)
Classification: Pathogenic for Breast-ovarian cancer, familial 2. Last evaluated: 2003-12-23. Review status: no assertion criteria provided. Collection method: clinical testing. Allele origin: germline. Affected: yes. Observed: 1 variant allele. Not counted in ClinVar's aggregate classification.

Foulkes Cancer Genetics LDI, Lady Davis Institute for Medical Research
Classification: Likely pathogenic for Breast and/or ovarian cancer. Review status: no assertion criteria provided. Collection method: clinical testing. Allele origin: germline. Study: The Canadian Open Genetics Repository (COGR). Not counted in ClinVar's aggregate classification.

Literature cited by the submitters: PubMed 31131967 (cited by 5 submitters); PubMed 10923033 (cited by Labcorp Genetics (formerly Invitae), Labcorp); PubMed 21520333 (cited by Labcorp Genetics (formerly Invitae), Labcorp); PubMed 31214711 (cited by 3 submitters); PubMed 21523855 (cited by Ambry Genetics and Women's Health and Genetics/Laboratory Corporation of America, LabCorp); PubMed 31853058 (cited by Color Diagnostics, LLC DBA Color Health); PubMed 33471991 (cited by Color Diagnostics, LLC DBA Color Health and All of Us Research Program, National Institutes of Health); PubMed 37713444 (cited by Color Diagnostics, LLC DBA Color Health).